The following is an entry in ClinVar:

ClinVar aggregate classification (germline): Benign. Review status: criteria provided, multiple submitters, no conflicts (2 of 4 stars). 2 submissions from 2 submitters: Benign (2). Last evaluated 2018-01-13.

Conditions:
Hereditary spastic paraplegia 6 (SPG6). Also called: SPASTIC PARAPLEGIA 6, AUTOSOMAL DOMINANT. Identifiers: Orphanet 100988, MedGen C1838192, MONDO:0010878, OMIM 600363.

Allele frequency attached by ClinVar (database versions not stated): gnomAD 0.93707 and 0.93851; TOPMed 0.94577; 1000 Genomes Project 0.96386; 1000 Genomes Project 30x 0.96502; gnomAD exomes 1.00000.
gnomAD v4.1: 142,942 of 152,300 alleles (94%); highest among the groups gnomAD compares: East Asian, 100%; 67,167 homozygotes.

Submissions (2):

Illumina Laboratory Services, Illumina
Classification: Benign for Hereditary spastic paraplegia 6. Last evaluated: 2018-01-13. Review status: criteria provided, single submitter. Criteria: ICSL Variant Classification Criteria 13 December 2019. Collection method: clinical testing. Allele origin: germline.
Comment: This variant was observed in the ICSL laboratory as part of a predisposition screen in an ostensibly healthy population. It had not been previously curated by ICSL or reported in the Human Gene Mutation Database (HGMD: prior to June 1st, 2018), and was therefore a candidate for classification through an automated scoring system. Utilizing variant allele frequency, disease prevalence and penetrance estimates, and inheritance mode, an automated score was calculated to assess if this variant is too frequent to cause the disease. Based on the score and internal cut-off values, a variant classified as benign is not then subjected to further curation. The score for this variant resulted in a classification of benign for this disease.

Breakthrough Genomics
Classification: Benign. Review status: criteria provided, single submitter. Criteria: ACMG Guidelines, 2015. Collection method: not provided. Allele origin: germline. Inheritance: Autosomal dominant inheritance. Affected: yes.

NM_144599.5(NIPA1):c.*1974C>A

Gene: NIPA1 (NIPA magnesium transporter 1; plus strand). Cytogenetic location: 15q11.2.
Variant type: single nucleotide variant.
Coding change: c.*1974C>A on transcript NM_144599.5 (MANE Select); 1974 bases downstream of the stop codon, C replaced by A.
Molecular consequence: 3 prime UTR variant.
Genome position (GRCh38, 1-based): chr15:22,826,213, C>A. VCF-style: chr15-22826213-C-A. GRCh37 (hg19) VCF-style: chr15-23046855-G-T.
Other names: c.*1974C>A (NM_001142275.1).
Identifiers: ClinVar variation 315390 (VCV000315390.6), dbSNP rs6606823, ClinGen allele CA10641469.